The following is an entry in ClinVar:

ClinVar aggregate classification (germline): Likely benign (1 of 4 stars; one submission).

Allele frequency attached by ClinVar (database versions not stated): 1000 Genomes Project 30x 0.00016; 1000 Genomes Project 0.00020; ExAC 0.00033; gnomAD 0.00072; TOPMed 0.00078.

Submission:

CeGaT Center for Human Genetics Tuebingen
Classification: Likely benign. Last evaluated: 2022-10-01. Review status: criteria provided, single submitter. Criteria: CeGaT Center For Human Genetics Tuebingen Variant Classification Criteria Version 2. Collection method: clinical testing. Allele origin: germline. Affected: yes. Observed: 1 variant allele.
Comment: POM121L2: BP4

NM_033482.4(POM121L2):c.2801C>T (p.Pro934Leu)

Gene: POM121L2 (POM121 transmembrane nucleoporin like 2; minus strand). Cytogenetic location: 6p22.1.
Variant type: single nucleotide variant.
Coding change: c.2801C>T on transcript NM_033482.4 (MANE Select); coding-DNA position 2801, C replaced by T.
Protein change: p.Pro934Leu; replaces proline 934 with leucine.
Molecular consequence: missense variant.
Genome position (GRCh38, 1-based): chr6:27,309,370, G>A on the plus strand (C>T on the coding strand, the complement: POM121L2 is on the minus strand). VCF-style: chr6-27309370-G-A. GRCh37 (hg19) VCF-style: chr6-27277149-G-A.
Other names: short protein forms P934L.
Identifiers: ClinVar variation 2656313 (VCV002656313.24), dbSNP rs145213207, ClinGen allele CA3677242.